The following is an entry in ClinVar:

ClinVar aggregate classification (germline): Uncertain significance (1 of 4 stars; one submission).

Submission:

Labcorp Genetics (formerly Invitae), Labcorp
Classification: Uncertain significance. Last evaluated: 2021-09-04. Review status: criteria provided, single submitter. Criteria: Invitae Variant Classification Sherloc (09022015). Collection method: clinical testing. Allele origin: germline.
Comment: In summary, the available evidence is currently insufficient to determine the role of this variant in disease. Therefore, it has been classified as a Variant of Uncertain Significance. This sequence change replaces lysine with glutamic acid at codon 467 of the FH protein (p.Lys467Glu). The lysine residue is moderately conserved and there is a small physicochemical difference between lysine and glutamic acid. This variant is not present in population databases (ExAC no frequency). This variant has not been reported in the literature in individuals affected with FH-related conditions. Advanced modeling of protein sequence and biophysical properties (such as structural, functional, and spatial information, amino acid conservation, physicochemical variation, residue mobility, and thermodynamic stability) performed at Invitae indicates that this missense variant is expected to disrupt FH protein function.

NM_000143.4(FH):c.1399A>G (p.Lys467Glu)

Gene: FH (fumarate hydratase; minus strand). Cytogenetic location: 1q43.
Variant type: single nucleotide variant.
Coding change: c.1399A>G on transcript NM_000143.4 (MANE Select); coding-DNA position 1399, A replaced by G.
Protein change: p.Lys467Glu; replaces lysine 467 with glutamic acid.
Molecular consequence: missense variant.
Genome position (GRCh38, 1-based): chr1:241,497,962, T>C on the plus strand (A>G on the coding strand, the complement: FH is on the minus strand). VCF-style: chr1-241497962-T-C. GRCh37 (hg19) VCF-style: chr1-241661262-T-C.
Other names: short protein forms K467E.
Identifiers: ClinVar variation 1517269 (VCV001517269.6), dbSNP rs2147911350, ClinGen allele CA345451086.
Genomic context (GRCh38, chr1:241,497,962, plus strand): 5'-TAGCAGTTTCCTTTAAGGTTGATCCATTTTTGTGTGCTGTCTTAGCAATCTTTGCTGCCT[T>C]GTCATACCCTGAAGAAAAAATAAAAAGACGACATATGGGTTAGCAGTGATATTTGGTTTC-3'
Protein context (NP_000134.2, residues 457-477): TALNPHIGYD[Lys467Glu]AAKIAKTAHK